The following is an entry in ClinVar:

ClinVar aggregate classification (germline): Uncertain significance (1 of 4 stars; one submission).

Allele frequency attached by ClinVar (database versions not stated): gnomAD exomes below 0.00001.
gnomAD v4.1: 2 of 1,613,558 alleles (0.00012%); highest among the groups gnomAD compares: Non-Finnish European, 0.00017%; no homozygotes.

Submission:

Labcorp Genetics (formerly Invitae), Labcorp
Classification: Uncertain significance. Last evaluated: 2022-07-20. Review status: criteria provided, single submitter. Criteria: Invitae Variant Classification Sherloc (09022015). Collection method: clinical testing. Allele origin: germline.
Comment: This sequence change replaces proline, which is neutral and non-polar, with leucine, which is neutral and non-polar, at codon 277 of the COL27A1 protein (p.Pro277Leu). This variant is not present in population databases (gnomAD no frequency). This variant has not been reported in the literature in individuals affected with COL27A1-related conditions. Advanced modeling of protein sequence and biophysical properties (such as structural, functional, and spatial information, amino acid conservation, physicochemical variation, residue mobility, and thermodynamic stability) performed at Invitae indicates that this missense variant is not expected to disrupt COL27A1 protein function. In summary, the available evidence is currently insufficient to determine the role of this variant in disease. Therefore, it has been classified as a Variant of Uncertain Significance.

NM_032888.4(COL27A1):c.830C>T (p.Pro277Leu)

Gene: COL27A1 (collagen type XXVII alpha 1 chain; plus strand). Cytogenetic location: 9q32.
Variant type: single nucleotide variant.
Coding change: c.830C>T on transcript NM_032888.4 (MANE Select); coding-DNA position 830, C replaced by T.
Protein change: p.Pro277Leu; replaces proline 277 with leucine.
Molecular consequence: missense variant.
Genome position (GRCh38, 1-based): chr9:114,168,385, C>T. VCF-style: chr9-114168385-C-T. GRCh37 (hg19) VCF-style: chr9-116930665-C-T.
Other names: short protein forms P277L.
Identifiers: ClinVar variation 1965527 (VCV001965527.2), dbSNP rs2490560430, ClinGen allele CA374592357.
Genomic context (GRCh38, chr9:114,168,385, plus strand): 5'-CTTTTACCTTCCAGTCCGACCTCGCCCTGCTAGGCCTGGAGAACTTGACCACTGCCACAC[C>T]AGCCCTGGGGTCACTGCCAGCAGGCAGGGGACCCAGGGGGACTGTGGCACCCGCCACGCC-3'
Protein context (NP_116277.2, residues 267-287): LGLENLTTAT[Pro277Leu]ALGSLPAGRG